The following is an entry in ClinVar:

NM_000379.4(XDH):c.682C>T (p.Arg228Ter)

Gene: XDH (xanthine dehydrogenase; minus strand). Cytogenetic location: 2p23.1.
Variant type: single nucleotide variant.
Coding change: c.682C>T on transcript NM_000379.4 (MANE Select); coding-DNA position 682, C replaced by T.
Protein change: p.Arg228Ter; replaces arginine 228 with a stop codon.
Molecular consequence: nonsense.
Genome position (GRCh38, 1-based): chr2:31,386,525, G>A on the plus strand (C>T on the coding strand, the complement: XDH is on the minus strand). VCF-style: chr2-31386525-G-A. GRCh37 (hg19) VCF-style: chr2-31609391-G-A.
Other names: short protein forms R228*.
Identifiers: ClinVar variation 2954 (VCV000002954.12), dbSNP rs119460972, ClinGen allele CA210838.

ClinVar aggregate classification (germline): Pathogenic/Likely pathogenic. Review status: criteria provided, multiple submitters, no conflicts (2 of 4 stars). 5 submissions from 5 submitters: Pathogenic (3); Likely pathogenic (1). 1 of the submissions does not count toward it. Last evaluated 2025-04-10.

Conditions:
XDH-related disorder. Also called: XDH-related condition.
Xanthinuria type II. Also called: Xanthine dehydrogenase and aldehyde oxidase combined deficiency of; XDH and AOX dual deficiency. Identifiers: Orphanet 3467, Orphanet 93602, MedGen C1863688, MONDO:0011346, OMIM 603592.
Hereditary xanthinuria type 1 (XAN1). Identifiers: Orphanet 3467, Orphanet 93601, MedGen C0268118, MONDO:0010209, OMIM 278300.

Allele frequency attached by ClinVar (database versions not stated): gnomAD 0.00001; TOPMed 0.00001.
gnomAD v4.1: 20 of 1,613,988 alleles (0.0012%); highest among the groups gnomAD compares: South Asian, 0.014%; no homozygotes.

Submissions (5):

Labcorp Genetics (formerly Invitae), Labcorp
Classification: Pathogenic for Xanthinuria type II. Last evaluated: 2025-04-10. Review status: criteria provided, single submitter. Criteria: Invitae Variant Classification Sherloc (09022015). Collection method: clinical testing. Allele origin: germline.
Comment: This sequence change creates a premature translational stop signal (p.Arg228*) in the XDH gene. It is expected to result in an absent or disrupted protein product. Loss-of-function variants in XDH are known to be pathogenic (PMID: 9153281). This variant is present in population databases (rs119460972, gnomAD 0.01%). This premature translational stop signal has been observed in individual(s) with xanthinuria (PMID: 9153281). It has also been observed to segregate with disease in related individuals. ClinVar contains an entry for this variant (Variation ID: 2954). Algorithms developed to predict the effect of sequence changes on RNA splicing suggest that this variant may disrupt the consensus splice site. For these reasons, this variant has been classified as Pathogenic.

Blueprint Genetics
Classification: Pathogenic for XDH-related disorders. Last evaluated: 2023-05-17. Review status: criteria provided, single submitter. Criteria: ACMG Guidelines, 2015. Collection method: clinical testing. Allele origin: germline. Affected: yes. Observed: 3 variant alleles.

Department of Pathology and Laboratory Medicine, Sinai Health System
Classification: Likely pathogenic for Hereditary xanthinuria type 1. Last evaluated: 2023-03-10. Review status: criteria provided, single submitter. Criteria: ACMG Guidelines, 2015. Collection method: research. Allele origin: germline.

Fulgent Genetics
Classification: Pathogenic for Hereditary xanthinuria type 1. Last evaluated: 2022-01-10. Review status: criteria provided, single submitter. Criteria: ACMG Guidelines, 2015. Collection method: clinical testing. Allele origin: unknown.

OMIM
Classification: Pathogenic for XANTHINURIA, TYPE I. Last evaluated: 1997-05-15. Review status: no assertion criteria provided. Collection method: literature only. Allele origin: germline. Not counted in ClinVar's aggregate classification.

Literature cited by the submitters: PubMed 9153281 (cited by Labcorp Genetics (formerly Invitae), Labcorp and OMIM).